The following is an entry in ClinVar:

NM_020812.4(DOCK6):c.625C>T (p.Arg209Trp)

Gene: DOCK6 (dedicator of cytokinesis 6; minus strand). Cytogenetic location: 19p13.2.
Variant type: single nucleotide variant.
Coding change: c.625C>T on transcript NM_020812.4 (MANE Select); coding-DNA position 625, C replaced by T.
Protein change: p.Arg209Trp; replaces arginine 209 with tryptophan.
Molecular consequence: missense variant.
Genome position (GRCh38, 1-based): chr19:11,250,969, G>A on the plus strand (C>T on the coding strand, the complement: DOCK6 is on the minus strand). VCF-style: chr19-11250969-G-A. GRCh37 (hg19) VCF-style: chr19-11361645-G-A.
Other names: c.625C>T, p.Arg209Trp (NM_001367830.1); short protein forms R209W.
Identifiers: ClinVar variation 1918779 (VCV001918779.3), dbSNP rs773643401, ClinGen allele CA9208429.
Genomic context (GRCh38, chr19:11,250,969, plus strand): 5'-GGGGCCGGTGCTGCCGTCGAAGGGTTTCATTGCGCCGGTCCACATCTTCTGGGGCCGCCC[G>A]CTCTAGCAGAGAGGGCAGCAATGAGTCAGCTGCCAGGTTCCTCAGGTCGAAGATGCTAGA-3'
Protein context (NP_065863.2, residues 199-219): ADSLLPSLLE[Arg209Trp]AAPEDVDRRN

ClinVar aggregate classification (germline): Uncertain significance (1 of 4 stars; one submission).

Allele frequency attached by ClinVar (database versions not stated): ExAC 0.00001.

Submission:

Labcorp Genetics (formerly Invitae), Labcorp
Classification: Uncertain significance. Last evaluated: 2022-09-01. Review status: criteria provided, single submitter. Criteria: Invitae Variant Classification Sherloc (09022015). Collection method: clinical testing. Allele origin: germline.
Comment: In summary, the available evidence is currently insufficient to determine the role of this variant in disease. Therefore, it has been classified as a Variant of Uncertain Significance. Algorithms developed to predict the effect of missense changes on protein structure and function are either unavailable or do not agree on the potential impact of this missense change (SIFT: "Deleterious"; PolyPhen-2: "Possibly Damaging"; Align-GVGD: "Class C0"). This variant has not been reported in the literature in individuals affected with DOCK6-related conditions. This variant is present in population databases (rs773643401, gnomAD 0.003%). This sequence change replaces arginine, which is basic and polar, with tryptophan, which is neutral and slightly polar, at codon 209 of the DOCK6 protein (p.Arg209Trp).